The following is an entry in ClinVar:

NM_004046.6(ATP5F1A):c.502A>G (p.Thr168Ala)

Gene: ATP5F1A (ATP synthase F1 subunit alpha; minus strand). Cytogenetic location: 18q21.1.
Variant type: single nucleotide variant.
Coding change: c.502A>G on transcript NM_004046.6 (MANE Select); coding-DNA position 502, A replaced by G.
Protein change: p.Thr168Ala; replaces threonine 168 with alanine.
Molecular consequence: missense variant.
Genome position (GRCh38, 1-based): chr18:46,089,714, T>C on the plus strand (A>G on the coding strand, the complement: ATP5F1A is on the minus strand). VCF-style: chr18-46089714-T-C. GRCh37 (hg19) VCF-style: chr18-43669680-T-C.
Other names: c.352A>G, p.Thr118Ala (NM_001001935.3, NM_001257335.2); c.502A>G, p.Thr168Ala (NM_001001937.2); c.436A>G, p.Thr146Ala (NM_001257334.2); short protein forms T118A, T168A, T146A.
Identifiers: ClinVar variation 1945916 (VCV001945916.5), dbSNP rs763953264, ClinGen allele CA299751206.

ClinVar aggregate classification (germline): Uncertain significance (1 of 4 stars; one submission).

Allele frequency attached by ClinVar (database versions not stated): gnomAD exomes below 0.00001.
gnomAD v4.1: 1 of 1,614,110 alleles (0.000062%); highest among the groups gnomAD compares: Non-Finnish European, 0.000085%; no homozygotes.

Submission:

Labcorp Genetics (formerly Invitae), Labcorp
Classification: Uncertain significance. Last evaluated: 2022-03-11. Review status: criteria provided, single submitter. Criteria: Invitae Variant Classification Sherloc (09022015). Collection method: clinical testing. Allele origin: germline.
Comment: In summary, the available evidence is currently insufficient to determine the role of this variant in disease. Therefore, it has been classified as a Variant of Uncertain Significance. Algorithms developed to predict the effect of missense changes on protein structure and function output the following: SIFT: "Tolerated"; PolyPhen-2: "Benign"; Align-GVGD: "Class C0". The alanine amino acid residue is found in multiple mammalian species, which suggests that this missense change does not adversely affect protein function. This variant has not been reported in the literature in individuals affected with ATP5A1-related conditions. This variant is not present in population databases (gnomAD no frequency). This sequence change replaces threonine, which is neutral and polar, with alanine, which is neutral and non-polar, at codon 168 of the ATP5A1 protein (p.Thr168Ala).